The following is an entry in ClinVar:

NM_017617.5(NOTCH1):c.5402C>G (p.Ser1801Ter)

Gene: NOTCH1 (notch receptor 1; minus strand). Cytogenetic location: 9q34.3.
Variant type: single nucleotide variant.
Coding change: c.5402C>G on transcript NM_017617.5 (MANE Select); coding-DNA position 5402, C replaced by G.
Protein change: p.Ser1801Ter; replaces serine 1801 with a stop codon.
Molecular consequence: nonsense.
Genome position (GRCh38, 1-based): chr9:136,502,071, G>C on the plus strand (C>G on the coding strand, the complement: NOTCH1 is on the minus strand). VCF-style: chr9-136502071-G-C. GRCh37 (hg19) VCF-style: chr9-139396523-G-C.
Other names: short protein forms S1801*.
Identifiers: ClinVar variation 1722440 (VCV001722440.1), dbSNP rs376236888, ClinGen allele CA375640127.

ClinVar aggregate classification (germline): Likely pathogenic (1 of 4 stars; one submission).

Conditions:
Adams-Oliver syndrome 5 (AOS5). Identifiers: Orphanet 974, MedGen C4014970, MONDO:0014459, OMIM 616028.

Submission:

Women's Health and Genetics/Laboratory Corporation of America, LabCorp
Classification: Likely pathogenic for Adams-Oliver syndrome 5. Last evaluated: 2022-09-09. Review status: criteria provided, single submitter. Criteria: LabCorp Variant Classification Summary - May 2015. Collection method: clinical testing. Allele origin: germline.
Comment: Variant summary: NOTCH1 c.5402C>G (p.Ser1801X) results in a premature termination codon, predicted to cause a truncation of the encoded protein or absence of the protein due to nonsense mediated decay, which are commonly known mechanisms for disease. Truncations downstream of this position have been classified as pathogenic in ClinVar (e.g. c.6045del [p.Asn2016fs], c.5950C>T [p.Arg1984Ter]). The variant was absent in 248474 control chromosomes (gnomAD). To our knowledge, no occurrence of c.5402C>G in individuals affected with Adams-Oliver Syndrome 5 and no experimental evidence demonstrating its impact on protein function have been reported. No clinical diagnostic laboratories have submitted clinical-significance assessments for this variant to ClinVar after 2014. Based on the evidence outlined above, the variant was classified as likely pathogenic.